The following is an entry in ClinVar:

ClinVar aggregate classification (germline): Benign. Review status: criteria provided, multiple submitters, no conflicts (2 of 4 stars). 2 submissions from 2 submitters: Benign (2). Last evaluated 2018-06-19.

Allele frequency attached by ClinVar (database versions not stated): gnomAD exomes 0.12647 and 0.15041; ExAC 0.15457; gnomAD 0.20975 and 0.21353; ESP Exome Variant Server 0.21697; TOPMed 0.22322; 1000 Genomes Project 0.24026; 1000 Genomes Project 30x 0.24974.
gnomAD v4.1: 162,886 of 1,209,719 alleles (13%); highest among the groups gnomAD compares: African/African-American, 44%; 10,030 homozygotes.

Submissions (2):

GeneDx
Classification: Benign. Last evaluated: 2018-06-19. Review status: criteria provided, single submitter. Criteria: GeneDx Variant Classification (06012015). Collection method: clinical testing. Allele origin: germline. Affected: yes.
Comment: This variant is considered likely benign or benign based on one or more of the following criteria: it is a conservative change, it occurs at a poorly conserved position in the protein, it is predicted to be benign by multiple in silico algorithms, and/or has population frequency not consistent with disease.

Breakthrough Genomics
Classification: Benign. Review status: criteria provided, single submitter. Criteria: ACMG Guidelines, 2015. Collection method: not provided. Allele origin: germline. Inheritance: X-linked inheritance. Affected: yes.

NM_001110556.2(FLNA):c.5417-44C>T

Gene: FLNA (filamin A; minus strand). Cytogenetic location: Xq28.
Variant type: single nucleotide variant.
Coding change: c.5417-44C>T on transcript NM_001110556.2 (MANE Select); 44 bases into the intron before coding-DNA position 5417, C replaced by T.
Molecular consequence: intron variant.
Genome position (GRCh38, 1-based): chrX:154,354,335, G>A on the plus strand (C>T on the coding strand, the complement: FLNA is on the minus strand). VCF-style: chrX-154354335-G-A. GRCh37 (hg19) VCF-style: chrX-153582703-G-A.
Other names: c.5393-44C>T (NM_001456.4).
Identifiers: ClinVar variation 670954 (VCV000670954.2), dbSNP rs2070827, ClinGen allele CA10560322.